The following is an entry in ClinVar:

NM_000256.3(MYBPC3):c.1469G>A (p.Gly490Glu)

Gene: MYBPC3 (myosin binding protein C3; minus strand). Cytogenetic location: 11p11.2.
Variant type: single nucleotide variant.
Coding change: c.1469G>A on transcript NM_000256.3 (MANE Select); coding-DNA position 1469, G replaced by A.
Protein change: p.Gly490Glu; replaces glycine 490 with glutamic acid.
Molecular consequence: missense variant.
Genome position (GRCh38, 1-based): chr11:47,342,733, C>T on the plus strand (G>A on the coding strand, the complement: MYBPC3 is on the minus strand). VCF-style: chr11-47342733-C-T. GRCh37 (hg19) VCF-style: chr11-47364284-C-T.
Other names: short protein forms G490E.
Identifiers: ClinVar variation 862072 (VCV000862072.10), dbSNP rs397514752, ClinGen allele CA078128.

ClinVar aggregate classification (germline): Uncertain significance (1 of 4 stars; one submission).

Conditions:
Hypertrophic cardiomyopathy. Also called: HYPERTROPHIC MYOCARDIOPATHY. Identifiers: Orphanet 217569, MedGen C0007194, MeSH D002312, MONDO:0005045, HP:0001639.

Allele frequency attached by ClinVar (database versions not stated): gnomAD exomes below 0.00001; ExAC 0.00001; gnomAD 0.00001.
gnomAD v4.1: 4 of 1,613,858 alleles (0.00025%); highest among the groups gnomAD compares: Admixed American, 0.005%; no homozygotes.

Submission:

Labcorp Genetics (formerly Invitae), Labcorp
Classification: Uncertain significance for Hypertrophic cardiomyopathy. Last evaluated: 2020-01-24. Review status: criteria provided, single submitter. Criteria: Invitae Variant Classification Sherloc (09022015). Collection method: clinical testing. Allele origin: germline.
Comment: This sequence change replaces glycine with glutamic acid at codon 490 of the MYBPC3 protein (p.Gly490Glu). The glycine residue is highly conserved and there is a moderate physicochemical difference between glycine and glutamic acid. In summary, the available evidence is currently insufficient to determine the role of this variant in disease. Therefore, it has been classified as a Variant of Uncertain Significance. Algorithms developed to predict the effect of missense changes on protein structure and function (SIFT, PolyPhen-2, Align-GVGD) all suggest that this variant is likely to be disruptive, but these predictions have not been confirmed by published functional studies and their clinical significance is uncertain. This variant has not been reported in the literature in individuals with MYBPC3-related conditions. This variant is present in population databases (rs397514752, ExAC 0.009%).